The following is an entry in ClinVar:

ClinVar aggregate classification (germline): Uncertain significance. Review status: criteria provided, multiple submitters, no conflicts (2 of 4 stars). 2 submissions from 2 submitters: Uncertain significance (2). Last evaluated 2022-01-12.

Conditions:
Hereditary cancer-predisposing syndrome. Also called: Neoplastic Syndromes, Hereditary; Tumor predisposition; Hereditary Cancer Syndrome; Hereditary neoplastic syndrome. Identifiers: Orphanet 140162, MedGen C0027672, MeSH D009386, MONDO:0015356.
Gorlin syndrome. Also called: Nevoid Basal Cell Carcinoma Syndrome; Basal cell nevus syndrome. Identifiers: Orphanet 377, MedGen C0004779, MONDO:0007187.

Submissions (2):

Labcorp Genetics (formerly Invitae), Labcorp
Classification: Uncertain significance for Gorlin syndrome. Last evaluated: 2022-01-12. Review status: criteria provided, single submitter. Criteria: Invitae Variant Classification Sherloc (09022015). Collection method: clinical testing. Allele origin: germline.
Comment: In summary, the available evidence is currently insufficient to determine the role of this variant in disease. Therefore, it has been classified as a Variant of Uncertain Significance. This sequence change replaces histidine, which is basic and polar, with arginine, which is basic and polar, at codon 1382 of the PTCH1 protein (p.His1382Arg). This variant is not present in population databases (gnomAD no frequency). This variant has not been reported in the literature in individuals affected with PTCH1-related conditions. Advanced modeling of protein sequence and biophysical properties (such as structural, functional, and spatial information, amino acid conservation, physicochemical variation, residue mobility, and thermodynamic stability) performed at Invitae indicates that this missense variant is not expected to disrupt PTCH1 protein function.

Ambry Genetics
Classification: Uncertain significance for Hereditary cancer-predisposing syndrome. Last evaluated: 2021-04-21. Review status: criteria provided, single submitter. Criteria: Ambry Variant Classification Scheme 2023. Collection method: clinical testing. Allele origin: germline.
Comment: The p.H1382R variant (also known as c.4145A>G), located in coding exon 23 of the PTCH1 gene, results from an A to G substitution at nucleotide position 4145. The histidine at codon 1382 is replaced by arginine, an amino acid with highly similar properties. This amino acid position is well conserved in available vertebrate species. In addition, the in silico prediction for this alteration is inconclusive. Since supporting evidence is limited at this time, the clinical significance of this alteration remains unclear.

NM_000264.5(PTCH1):c.4145A>G (p.His1382Arg)

Gene: PTCH1 (patched 1; minus strand). Cytogenetic location: 9q22.32.
Variant type: single nucleotide variant.
Coding change: c.4145A>G on transcript NM_000264.5 (MANE Select); coding-DNA position 4145, A replaced by G.
Protein change: p.His1382Arg; replaces histidine 1382 with arginine.
Molecular consequence: missense variant. On other transcripts: non-coding transcript variant (1).
Genome position (GRCh38, 1-based): chr9:95,447,111, T>C on the plus strand (A>G on the coding strand, the complement: PTCH1 is on the minus strand). VCF-style: chr9-95447111-T-C. GRCh37 (hg19) VCF-style: chr9-98209393-T-C.
Other names: c.3692A>G, p.His1231Arg (NM_001083604.3, NM_001083605.3, NM_001083606.3 and 1 more transcripts); c.3989A>G, p.His1330Arg (NM_001354918.2); c.3947A>G, p.His1316Arg (NM_001083602.3); c.4142A>G, p.His1381Arg (NM_001083603.3); short protein forms H1330R, H1381R, H1231R, H1316R, H1382R.
Identifiers: ClinVar variation 1738196 (VCV001738196.7), dbSNP rs1837991686, ClinGen allele CA374110234.